The following is an entry in ClinVar:

ClinVar aggregate classification (germline): Uncertain significance (1 of 4 stars; one submission).

Allele frequency attached by ClinVar (database versions not stated): gnomAD 0.00001; gnomAD exomes 0.00001; TOPMed 0.00001; ExAC 0.00002.
gnomAD v4.1: 15 of 1,609,502 alleles (0.00093%); highest among the groups gnomAD compares: South Asian, 0.012%; no homozygotes.

Submission:

Labcorp Genetics (formerly Invitae), Labcorp
Classification: Uncertain significance. Last evaluated: 2022-09-07. Review status: criteria provided, single submitter. Criteria: Invitae Variant Classification Sherloc (09022015). Collection method: clinical testing. Allele origin: germline.
Comment: This sequence change replaces lysine, which is basic and polar, with glutamic acid, which is acidic and polar, at codon 1211 of the PCLO protein (p.Lys1211Glu). This variant is present in population databases (rs773976590, gnomAD 0.02%). This variant has not been reported in the literature in individuals affected with PCLO-related conditions. Algorithms developed to predict the effect of missense changes on protein structure and function output the following: SIFT: "Tolerated"; PolyPhen-2: "Not Available"; Align-GVGD: "Class C0". The glutamic acid amino acid residue is found in multiple mammalian species, which suggests that this missense change does not adversely affect protein function. In summary, the available evidence is currently insufficient to determine the role of this variant in disease. Therefore, it has been classified as a Variant of Uncertain Significance.

NM_033026.6(PCLO):c.3631A>G (p.Lys1211Glu)

Gene: PCLO (piccolo presynaptic cytomatrix protein; minus strand). Cytogenetic location: 7q21.11.
Variant type: single nucleotide variant.
Coding change: c.3631A>G on transcript NM_033026.6 (MANE Select); coding-DNA position 3631, A replaced by G.
Protein change: p.Lys1211Glu; replaces lysine 1211 with glutamic acid.
Molecular consequence: missense variant.
Genome position (GRCh38, 1-based): chr7:82,966,157, T>C on the plus strand (A>G on the coding strand, the complement: PCLO is on the minus strand). VCF-style: chr7-82966157-T-C. GRCh37 (hg19) VCF-style: chr7-82595473-T-C.
Other names: c.3631A>G, p.Lys1211Glu (NM_014510.3); short protein forms K1211E.
Identifiers: ClinVar variation 1940177 (VCV001940177.5), dbSNP rs773976590, ClinGen allele CA4321002.
Genomic context (GRCh38, chr7:82,966,157, plus strand): 5'-CTTCAGAACGTATCTTTTCTTCTTCAGGGATTAGTTTTTTTTCTTCAGGGAGTGGCTTTT[T>C]TTCTTGAAGAGCTGAAGCTTTGTCTTTCTCTAGTTTACTCTCTTCTTGTTTTTGATCTGT-3'
Protein context (NP_149015.2, residues 1201-1221): EKDKASALQE[Lys1211Glu]KPLPEEKKLI